The following is an entry in ClinVar:

ClinVar aggregate classification (germline): Pathogenic (1 of 4 stars; one submission).

Conditions:
Hereditary spastic paraplegia 4. Also called: Spastic paraplegia 4, autosomal dominant; Spastic Paraplegia 4; Familial spastic paraplegia autosomal dominant 2. Identifiers: Orphanet 100985, MedGen C1866855, MONDO:0008438, OMIM 182601.

Submission:

Labcorp Genetics (formerly Invitae), Labcorp
Classification: Pathogenic for Hereditary spastic paraplegia 4. Last evaluated: 2019-10-12. Review status: criteria provided, single submitter. Criteria: Invitae Variant Classification Sherloc (09022015). Collection method: clinical testing. Allele origin: germline.
Comment: Loss-of-function variants in SPAST are known to be pathogenic (PMID: 20932283). This sequence change creates a premature translational stop signal (p.Ala325Leufs*4) in the SPAST gene. It is expected to result in an absent or disrupted protein product. This variant is not present in population databases (ExAC no frequency). This variant has not been reported in the literature in individuals with SPAST-related conditions. For these reasons, this variant has been classified as Pathogenic.

Literature cited by the submitters: PubMed 20932283.

NM_014946.4(SPAST):c.970del (p.Ala325fs)

Gene: SPAST (spastin; plus strand). Cytogenetic location: 2p22.3.
Variant type: Deletion.
Coding change: c.970del on transcript NM_014946.4 (MANE Select); coding-DNA position 970, one base deleted (C; older notation c.970delC).
Protein change: p.Ala325fs; shifts the reading frame from alanine 325.
Molecular consequence: frameshift variant.
Genome position (GRCh38, 1-based): chr2:32,115,801, C deleted; the last of 2 consecutive C bases (chr2:32,115,800-32,115,801); deleting either gives the same sequence. VCF-style (leftmost placement, unchanged base first): chr2-32115799-AC-A. GRCh37 (hg19) VCF-style: chr2-32340868-AC-A.
Other names: c.967del, p.Ala324fs (NM_001363823.2); c.871del, p.Ala292fs (NM_001363875.2); c.874del, p.Ala293fs (NM_001377959.1, NM_199436.2); short protein forms A292fs, A293fs, A325fs, A324fs.
Identifiers: ClinVar variation 960561 (VCV000960561.7), dbSNP rs1678809494, ClinGen allele CA1139656867.
Genomic context (GRCh38, chr2:32,115,799, plus strand): 5'-CCCCTACAACTGCTACTCGTAAGAAAAAAGACTTGAAGAATTTTAGGAATGTGGACAGCA[AC>A]CTTGCTAACCTTATAATGAATGAAATTGTGGACAAGTAAGTTTTGCCATCTAAATGTTTT-3'